The following is an entry in ClinVar:

NM_014795.4(ZEB2):c.3119ACC[3] (p.His1041_Leu1042insHis)

Gene: ZEB2 (zinc finger E-box binding homeobox 2; minus strand). Cytogenetic location: 2q22.3.
Variant type: Microsatellite.
Coding change: c.3119ACC[3] on transcript NM_014795.4 (MANE Select); three copies in a row of the 3-base unit ACC starting at c.3119; the reference has two copies in a row; one copy, 3 bases duplicated.
Protein change: p.His1041_Leu1042insHis.
Molecular consequence: inframe insertion.
Genome position (GRCh38, 1-based): chr2:144,389,972-144,389,974, GGT duplicated on the plus strand (ACC on the coding strand, the reverse complement: ZEB2 is on the minus strand); duplicating any 3 consecutive bases within chr2:144,389,972-144,389,978 gives the same sequence; the position shown is the placement nearest the transcript's 3' end. VCF-style (leftmost placement, unchanged base first): chr2-144389971-A-AGGT. GRCh37 (hg19) VCF-style: chr2-145147538-A-AGGT.
Other names: c.3047ACC[3], p.His1017_Leu1018insHis (NM_001171653.2).
Identifiers: ClinVar variation 2849803 (VCV002849803.3), dbSNP rs2549101955, ClinGen allele CA2739271221.

ClinVar aggregate classification (germline): Likely pathogenic (1 of 4 stars; one submission).

Conditions:
Mowat-Wilson syndrome (MOWS). Also called: Classic Mowat-Wilson Syndrome. Identifiers: Orphanet 2152, MedGen C1856113, MONDO:0009341, OMIM 235730.

Submission:

Labcorp Genetics (formerly Invitae), Labcorp
Classification: Likely pathogenic for Mowat-Wilson syndrome. Last evaluated: 2024-02-26. Review status: criteria provided, single submitter. Criteria: Invitae Variant Classification Sherloc (09022015). Collection method: clinical testing. Allele origin: germline.
Comment: This variant, c.3122_3124dup, results in the insertion of 1 amino acid(s) of the ZEB2 protein (p.His1041dup), but otherwise preserves the integrity of the reading frame. This variant is not present in population databases (gnomAD no frequency). This variant has been observed in individual(s) with Mowat-Wilson syndrome (Invitae). In at least one individual the variant was observed to be de novo. In summary, the currently available evidence indicates that the variant is pathogenic, but additional data are needed to prove that conclusively. Therefore, this variant has been classified as Likely Pathogenic.